The following is an entry in ClinVar:

NM_001130009.3(GEN1):c.1691T>C (p.Ile564Thr)

Gene: GEN1 (GEN1 Holliday junction 5' flap endonuclease; plus strand). Cytogenetic location: 2p24.2.
Variant type: single nucleotide variant.
Coding change: c.1691T>C on transcript NM_001130009.3 (MANE Select); coding-DNA position 1691, T replaced by C.
Protein change: p.Ile564Thr; replaces isoleucine 564 with threonine.
Molecular consequence: missense variant.
Genome position (GRCh38, 1-based): chr2:17,780,903, T>C. VCF-style: chr2-17780903-T-C. GRCh37 (hg19) VCF-style: chr2-17962170-T-C.
Other names: c.1691T>C, p.Ile564Thr (NM_182625.5); short protein forms I564T.
Identifiers: ClinVar variation 3853463 (VCV003853463.1).

ClinVar aggregate classification (germline): Uncertain significance (1 of 4 stars; one submission).

Submission:

Ambry Genetics
Classification: Uncertain significance. Last evaluated: 2024-12-27. Review status: criteria provided, single submitter. Criteria: Ambry Variant Classification Scheme 2023. Collection method: clinical testing. Allele origin: germline.
Comment: The p.I564T variant (also known as c.1691T>C), located in coding exon 13 of the GEN1 gene, results from a T to C substitution at nucleotide position 1691. The isoleucine at codon 564 is replaced by threonine, an amino acid with similar properties. This amino acid position is conserved. In addition, this alteration is predicted to be tolerated by in silico analysis. Based on the available evidence, the clinical significance of this variant remains unclear.